The following is an entry in ClinVar:

ClinVar aggregate classification (germline): Uncertain significance (1 of 4 stars; one submission).

Submission:

Labcorp Genetics (formerly Invitae), Labcorp
Classification: Uncertain significance. Last evaluated: 2023-06-27. Review status: criteria provided, single submitter. Criteria: Invitae Variant Classification Sherloc (09022015). Collection method: clinical testing. Allele origin: germline.
Comment: In summary, the available evidence is currently insufficient to determine the role of this variant in disease. Therefore, it has been classified as a Variant of Uncertain Significance. Experimental studies and prediction algorithms are not available or were not evaluated, and the functional significance of this variant is currently unknown. This variant has not been reported in the literature in individuals affected with EPCAM-related conditions. This variant results in a copy number gain of the genomic region encompassing exon(s) 1-4 of the EPCAM gene. This region includes the initiator codon of the gene. This copy number gain extends beyond the assayed region for this gene and therefore may encompass additional genes. As the precise location of this event is unknown, it may be in tandem or it may be located elsewhere in the genome.

NC_000002.11:g.(?_47596645)_(47602448_?)dup

Gene: EPCAM (epithelial cell adhesion molecule; plus strand). Cytogenetic location: 2p21.
Variant type: Duplication.
Identifiers: ClinVar variation 2424423 (VCV002424423.4).